The following is an entry in ClinVar:

ClinVar aggregate classification (germline): Likely benign. Review status: criteria provided, multiple submitters, no conflicts (2 of 4 stars). 2 submissions from 2 submitters: Likely benign (2). Last evaluated 2026-07-01.

Conditions:
Fanconi anemia (FA). Also called: Fanconi's anemia. Identifiers: Orphanet 84, MedGen C0015625, MeSH D005199, MONDO:0019391.

Allele frequency attached by ClinVar (database versions not stated): gnomAD 0.00001; TOPMed 0.00002; ExAC 0.00003; gnomAD exomes 0.00004.
gnomAD v4.1: 59 of 1,614,016 alleles (0.0037%); highest among the groups gnomAD compares: Middle Eastern, 0.033%; no homozygotes.

Submissions (2):

CeGaT Center for Human Genetics Tuebingen
Classification: Likely benign. Last evaluated: 2026-07-01. Review status: criteria provided, single submitter. Criteria: CeGaT Center For Human Genetics Tuebingen Variant Classification Criteria Version 2. Collection method: clinical testing. Allele origin: germline. Affected: yes. Observed: 2 variant alleles.
Comment: SLX4: BP4, BP7

Labcorp Genetics (formerly Invitae), Labcorp
Classification: Likely benign for Fanconi anemia. Last evaluated: 2024-12-30. Review status: criteria provided, single submitter. Criteria: Invitae Variant Classification Sherloc (09022015). Collection method: clinical testing. Allele origin: germline.

NM_032444.4(SLX4):c.1251G>A (p.Pro417=)

Gene: SLX4 (SLX4 structure-specific endonuclease subunit; minus strand). Cytogenetic location: 16p13.3.
Variant type: single nucleotide variant.
Coding change: c.1251G>A on transcript NM_032444.4 (MANE Select); coding-DNA position 1251, G replaced by A.
Protein change: p.Pro417=; no amino-acid change (proline 417 retained).
Molecular consequence: synonymous variant.
Genome position (GRCh38, 1-based): chr16:3,597,912, C>T on the plus strand (G>A on the coding strand, the complement: SLX4 is on the minus strand). VCF-style: chr16-3597912-C-T. GRCh37 (hg19) VCF-style: chr16-3647913-C-T.
Identifiers: ClinVar variation 698112 (VCV000698112.34), dbSNP rs780972710, ClinGen allele CA7866575.